The following is an entry in ClinVar:

ClinVar aggregate classification (germline): Benign. Review status: criteria provided, multiple submitters, no conflicts (2 of 4 stars). 2 submissions from 2 submitters: Benign (2). Last evaluated 2017-04-27.

Conditions:
Caveolinopathy. Identifiers: Orphanet 207078, MedGen C5679790, MONDO:0016146.

Allele frequency attached by ClinVar (database versions not stated): gnomAD exomes 0.00017 and 0.00052; ExAC 0.00059; gnomAD 0.00186 and 0.00210; ESP Exome Variant Server 0.00208; 1000 Genomes Project 0.00220; TOPMed 0.00220; 1000 Genomes Project 30x 0.00250.
gnomAD v4.1: 530 of 1,567,310 alleles (0.034%); highest among the groups gnomAD compares: African/African-American, 0.62%; 4 homozygotes.

Submissions (2):

Illumina Laboratory Services, Illumina
Classification: Benign for Caveolinopathy. Last evaluated: 2017-04-27. Review status: criteria provided, single submitter. Criteria: ICSL Variant Classification Criteria 13 December 2019. Collection method: clinical testing. Allele origin: germline.
Comment: This variant was observed as part of a predisposition screen in an ostensibly healthy population. A literature search was performed for the gene, cDNA change, and amino acid change (where applicable). No publications were found based on this search. Allele frequency data from public databases was too high to be consistent with this variant causing disease. Therefore, this variant is classified as benign.

GeneDx
Classification: Benign. Last evaluated: 2015-03-03. Review status: criteria provided, single submitter. Criteria: GeneDx Variant Classification Process June 2021. Collection method: clinical testing. Allele origin: germline. Affected: yes.

NM_033337.3(CAV3):c.*38G>C

Genes: OXTR (oxytocin receptor; minus strand), CAV3 (caveolin 3; plus strand). Cytogenetic location: 3p25.3.
Variant type: single nucleotide variant.
Coding change: c.*38G>C on transcript NM_033337.3 (MANE Select); 38 bases downstream of the stop codon, G replaced by C.
Molecular consequence: 3 prime UTR variant. On other transcripts: intron variant (1).
Genome position (GRCh38, 1-based): chr3:8,745,905, G>C. VCF-style: chr3-8745905-G-C. GRCh37 (hg19) VCF-style: chr3-8787591-G-C.
Other names: c.*6+32G>C (NM_001234.5).
Identifiers: ClinVar variation 900585 (VCV000900585.5), dbSNP rs72546670, ClinGen allele CA2236383.